The following is an entry in ClinVar:

NM_013352.4(DSE):c.1000A>G (p.Met334Val)

Gene: DSE (dermatan sulfate epimerase; plus strand). Cytogenetic location: 6q22.1.
Variant type: single nucleotide variant.
Coding change: c.1000A>G on transcript NM_013352.4 (MANE Select); coding-DNA position 1000, A replaced by G.
Protein change: p.Met334Val; replaces methionine 334 with valine.
Molecular consequence: missense variant. On other transcripts: initiator codon variant (1), intron variant (3).
Genome position (GRCh38, 1-based): chr6:116,433,432, A>G. VCF-style: chr6-116433432-A-G. GRCh37 (hg19) VCF-style: chr6-116754595-A-G.
Other names: c.1000A>G, p.Met334Val (NM_001080976.3, NM_001322937.2, NM_001322938.2); c.1057A>G, p.Met353Val (NM_001322939.2); c.439A>G, p.Met147Val (NM_001322940.2, NM_001322941.2); c.1A>G, p.Met1Val (NM_001374520.1); c.84-2155A>G (NM_001374521.1); c.911-2155A>G (NM_001322944.2); c.671-2155A>G (NM_001322943.2); short protein forms M147V, M1V, M334V, M353V.
Identifiers: ClinVar variation 3372980 (VCV003372980.1).

ClinVar aggregate classification (germline): Uncertain significance (1 of 4 stars; one submission).

gnomAD v4.1: 3 of 1,551,844 alleles (0.00019%); highest among the groups gnomAD compares: African/African-American, 0.0014%; no homozygotes.

Submission:

GeneDx
Classification: Uncertain significance. Last evaluated: 2024-04-22. Review status: criteria provided, single submitter. Criteria: GeneDx Variant Classification Process June 2021. Collection method: clinical testing. Allele origin: germline. Affected: yes.
Comment: Has not been previously published as pathogenic or benign to our knowledge; Not observed at significant frequency in large population cohorts (gnomAD); In silico analysis indicates that this missense variant does not alter protein structure/function